The following is an entry in ClinVar:

NC_000013.10:g.(?_32889617)_(32899341_?)del

Gene: BRCA2 (BRCA2 DNA repair associated; plus strand). Cytogenetic location: 13q13.1.
Variant type: Deletion.
Identifiers: ClinVar variation 2422267 (VCV002422267.3).

ClinVar aggregate classification (germline): Pathogenic (1 of 4 stars; one submission).

Conditions:
Hereditary breast ovarian cancer syndrome. Also called: Hereditary breast and ovarian cancer syndrome; Hereditary breast and ovarian cancer; Hereditary breast and/or ovarian cancer syndrome; Hereditary breast and ovarian cancer syndrome (HBOC); Breast and ovarian cancer; BRCA1- and BRCA2-Associated Hereditary Breast and Ovarian Cancer. Identifiers: Orphanet 145, MedGen C0677776, MeSH D061325, MONDO:0003582. Disease mechanism: loss of function.

Submission:

Labcorp Genetics (formerly Invitae), Labcorp
Classification: Pathogenic for Hereditary breast ovarian cancer syndrome. Last evaluated: 2023-05-23. Review status: criteria provided, single submitter. Criteria: Invitae Variant Classification Sherloc (09022015). Collection method: clinical testing. Allele origin: germline.
Comment: This variant is a gross deletion of the genomic region encompassing exon(s) 1-4 of the BRCA2 gene, which includes the initiator codon. This deletion extends beyond the assayed region for this gene and therefore may encompass additional genes. It is expected to result in an absent or disrupted protein product. Loss-of-function variants in BRCA2 are known to be pathogenic (PMID: 20104584). This variant has not been reported in the literature in individuals affected with BRCA2-related conditions. For these reasons, this variant has been classified as Pathogenic.

Literature cited by the submitters: PubMed 20104584.